The following is an entry in ClinVar:

ClinVar aggregate classification (germline): Uncertain significance. Review status: criteria provided, multiple submitters, no conflicts (2 of 4 stars). 5 submissions from 4 submitters: Uncertain significance (5). Last evaluated 2024-12-31.

Conditions:
Inborn genetic diseases. Identifiers: MedGen C0950123, MeSH D030342.
Weill-Marchesani syndrome. Also called: WM Syndrome; Mesodermal dysmorphodystrophy congenital. Identifiers: Orphanet 3449, MedGen C0265313, MONDO:0018096.
Glaucoma 3, primary congenital, D. Identifiers: Orphanet 98976, MedGen C2751316, MONDO:0013122, OMIM 613086.

Allele frequency attached by ClinVar (database versions not stated): ExAC 0.00006; TOPMed 0.00006; gnomAD 0.00007; gnomAD exomes 0.00007; ESP Exome Variant Server 0.00046.
gnomAD v4.1: 117 of 1,613,962 alleles (0.0072%); highest among the groups gnomAD compares: Non-Finnish European, 0.0095%; no homozygotes.

Submissions (5):

Ambry Genetics
Classification: Uncertain significance for Inborn genetic diseases. Last evaluated: 2024-12-31. Review status: criteria provided, single submitter. Criteria: Ambry Variant Classification Scheme 2023. Collection method: clinical testing. Allele origin: germline.

Blueprint Genetics
Classification: Uncertain significance. Last evaluated: 2024-04-11. Review status: criteria provided, single submitter. Criteria: ACMG Guidelines, 2015. Collection method: clinical testing. Allele origin: germline.

Labcorp Genetics (formerly Invitae), Labcorp
Classification: Uncertain significance. Last evaluated: 2022-04-24. Review status: criteria provided, single submitter. Criteria: Invitae Variant Classification Sherloc (09022015). Collection method: clinical testing. Allele origin: germline.
Comment: This sequence change replaces leucine, which is neutral and non-polar, with phenylalanine, which is neutral and non-polar, at codon 1065 of the LTBP2 protein (p.Leu1065Phe). This variant is present in population databases (rs150855472, gnomAD 0.01%). This variant has not been reported in the literature in individuals affected with LTBP2-related conditions. ClinVar contains an entry for this variant (Variation ID: 884732). Algorithms developed to predict the effect of missense changes on protein structure and function are either unavailable or do not agree on the potential impact of this missense change (SIFT: "Deleterious"; PolyPhen-2: "Probably Damaging"; Align-GVGD: "Class C15"). In summary, the available evidence is currently insufficient to determine the role of this variant in disease. Therefore, it has been classified as a Variant of Uncertain Significance.

Illumina Laboratory Services, Illumina
Classification: Uncertain significance for Glaucoma 3, primary congenital, D. Last evaluated: 2018-01-13. Review status: criteria provided, single submitter. Criteria: ICSL Variant Classification Criteria 13 December 2019. Collection method: clinical testing. Allele origin: germline.

Illumina Laboratory Services, Illumina
Classification: Uncertain significance for Weill-Marchesani syndrome. Last evaluated: 2018-01-13. Review status: criteria provided, single submitter. Criteria: ICSL Variant Classification Criteria 13 December 2019. Collection method: clinical testing. Allele origin: germline.

NM_000428.3(LTBP2):c.3193C>T (p.Leu1065Phe)

Gene: LTBP2 (latent transforming growth factor beta binding protein 2; minus strand). Cytogenetic location: 14q24.3.
Variant type: single nucleotide variant.
Coding change: c.3193C>T on transcript NM_000428.3 (MANE Select); coding-DNA position 3193, C replaced by T.
Protein change: p.Leu1065Phe; replaces leucine 1065 with phenylalanine.
Molecular consequence: missense variant.
Genome position (GRCh38, 1-based): chr14:74,509,818, G>A on the plus strand (C>T on the coding strand, the complement: LTBP2 is on the minus strand). VCF-style: chr14-74509818-G-A. GRCh37 (hg19) VCF-style: chr14-74976521-G-A.
Other names: short protein forms L1065F.
Identifiers: ClinVar variation 884732 (VCV000884732.8), dbSNP rs150855472, ClinGen allele CA7269257.
Genomic context (GRCh38, chr14:74,509,818, plus strand): 5'-TCACCCAGTACCCGTTCTCACAGGCAGAGCAGGCGAAGGAGCCCTCCGTGTTGAGGCAGA[G>A]GCCTGTGGGGCATGAGGCCCGGCTGGCACACTCATCCACATCTGAAATAGGGCATTGCAT-3'
Protein context (NP_000419.1, residues 1055-1075): CASRASCPTG[Leu1065Phe]CLNTEGSFAC